The following is an entry in ClinVar:

ClinVar aggregate classification (germline): Likely benign (1 of 4 stars; one submission).

Allele frequency attached by ClinVar (database versions not stated): gnomAD exomes 0.00014; gnomAD 0.00029; 1000 Genomes Project 30x 0.00047; ExAC 0.00054; ESP Exome Variant Server 0.00115; 1000 Genomes Project 0.00120.
gnomAD v4.1: 247 of 1,562,692 alleles (0.016%); highest among the groups gnomAD compares: African/African-American, 0.24%; 5 homozygotes.

Submission:

CeGaT Center for Human Genetics Tuebingen
Classification: Likely benign. Last evaluated: 2022-03-01. Review status: criteria provided, single submitter. Criteria: CeGaT Center For Human Genetics Tuebingen Variant Classification Criteria Version 2. Collection method: clinical testing. Allele origin: germline. Affected: yes. Observed: 1 variant allele.
Comment: CRIPAK: BP4, BP7

NM_175918.3(CRIPAK):c.900G>A (p.Pro300=)

Genes: CRIPAK (cysteine rich PAK1 inhibitor; plus strand), UVSSA (UV stimulated scaffold protein A; plus strand), LOC126806945 (P300/CBP strongly-dependent group 1 enhancer GRCh37_chr4:1388225-1389424; plus strand). Cytogenetic location: 4p16.3.
Variant type: single nucleotide variant.
Coding change: c.900G>A on transcript NM_175918.3; coding-DNA position 900, G replaced by A.
Protein change: p.Pro300=; no amino-acid change (proline 300 retained).
Molecular consequence: synonymous variant.
Genome position (GRCh38, 1-based): chr4:1,395,411, G>A. VCF-style: chr4-1395411-G-A. GRCh37 (hg19) VCF-style: chr4-1389199-G-A.
Identifiers: ClinVar variation 2654575 (VCV002654575.24), dbSNP rs139623446, ClinGen allele CA2807287.